The following is an entry in ClinVar:

ClinVar aggregate classification (germline): Conflicting classifications of pathogenicity. Review status: criteria provided, conflicting classifications (1 of 4 stars). 3 submissions from 3 submitters: Uncertain significance (2); Likely benign (1). Last evaluated 2024-02-24.

Conditions:
Cardiac arrhythmia, ankyrin-B-related. Also called: ANKYRIN-B SYNDROME. Identifiers: Orphanet 101016, Orphanet 768, MedGen C1970119, MONDO:0010958, OMIM 600919.
Cardiovascular phenotype. Identifiers: MedGen CN230736.
Long QT syndrome (LQTS). Identifiers: MedGen C0023976, MeSH D008133, MONDO:0002442. Disease mechanism: loss of function. Inheritance: Various modes of inheritance.

Allele frequency attached by ClinVar (database versions not stated): ExAC 0.00001; gnomAD 0.00001; gnomAD exomes 0.00001 and 0.00002; TOPMed 0.00003.
gnomAD v4.1: 27 of 1,614,042 alleles (0.0017%); highest among the groups gnomAD compares: Non-Finnish European, 0.0022%; no homozygotes.

Submissions (3):

Labcorp Genetics (formerly Invitae), Labcorp
Classification: Uncertain significance for Long QT syndrome. Last evaluated: 2024-02-24. Review status: criteria provided, single submitter. Criteria: Invitae Variant Classification Sherloc (09022015). Collection method: clinical testing. Allele origin: germline.
Comment: This sequence change replaces alanine, which is neutral and non-polar, with serine, which is neutral and polar, at codon 2374 of the ANK2 protein (p.Ala2374Ser). This variant is present in population databases (rs763277342, gnomAD 0.003%). This variant has not been reported in the literature in individuals affected with ANK2-related conditions. ClinVar contains an entry for this variant (Variation ID: 834506). Algorithms developed to predict the effect of missense changes on protein structure and function output the following: SIFT: "Not Available"; PolyPhen-2: "Benign"; Align-GVGD: "Not Available". The serine amino acid residue is found in multiple mammalian species, which suggests that this missense change does not adversely affect protein function. In summary, the available evidence is currently insufficient to determine the role of this variant in disease. Therefore, it has been classified as a Variant of Uncertain Significance.

Fulgent Genetics
Classification: Uncertain significance for Cardiac arrhythmia, ankyrin-B-related. Last evaluated: 2021-08-17. Review status: criteria provided, single submitter. Criteria: ACMG Guidelines, 2015. Collection method: clinical testing. Allele origin: unknown.

Ambry Genetics
Classification: Likely benign for Cardiovascular phenotype. Last evaluated: 2018-06-05. Review status: criteria provided, single submitter. Criteria: Ambry Variant Classification Scheme 2023. Collection method: clinical testing. Allele origin: germline.

NM_001148.6(ANK2):c.7120G>T (p.Ala2374Ser)

Genes: ANK2 (ankyrin 2; plus strand), LOC126807137 (CDK7 strongly-dependent group 2 enhancer GRCh37_chr4:114276560-114277759; plus strand). Cytogenetic location: 4q26.
Variant type: single nucleotide variant.
Coding change: c.7120G>T on transcript NM_001148.6 (MANE Select); coding-DNA position 7120, G replaced by T.
Protein change: p.Ala2374Ser; replaces alanine 2374 with serine.
Molecular consequence: missense variant. On other transcripts: intron variant (68).
Genome position (GRCh38, 1-based): chr4:113,355,738, G>T. VCF-style: chr4-113355738-G-T. GRCh37 (hg19) VCF-style: chr4-114276894-G-T.
Other names: c.6886G>T, p.Ala2296Ser (NM_001386142.1); c.3520G>T, p.Ala1174Ser (NM_001386166.1); c.7261G>T, p.Ala2421Ser (NM_001386174.1); c.7237G>T, p.Ala2413Ser (NM_001386175.1); c.4412-5085G>T (NM_001386186.2, NM_001386148.2); c.4214-5085G>T (NM_001354269.3); c.4292-5085G>T (NM_001386187.2); c.4253-5085G>T (NM_001386147.1); and 35 more; short protein forms A2374S, A1174S, A2296S, A2413S, A2421S.
Identifiers: ClinVar variation 834506 (VCV000834506.10), dbSNP rs763277342, ClinGen allele CA3051535.